The following is an entry in ClinVar:

ClinVar aggregate classification (germline): Uncertain significance (1 of 4 stars; one submission).

Conditions:
Hypomagnesemia, seizures, and impaired intellectual development 1. Also called: Hypomagnesemia, seizures, and intellectual disability 1. Identifiers: Orphanet 34527, MedGen C4225333, MONDO:0020787, OMIM 616418.
Renal hypomagnesemia 6. Identifiers: Orphanet 34527, MedGen C3151295, MONDO:0013480, OMIM 613882.

Submission:

Juno Genomics, Hangzhou Juno Genomics, Inc
Classification: Uncertain significance for Renal hypomagnesemia 6; Hypomagnesemia, seizures, and impaired intellectual development 1. Review status: criteria provided, single submitter. Criteria: ACMG Guidelines, 2015. Collection method: clinical testing. Allele origin: germline. Affected: yes.
Comment: Absent from controls (or at extremely low frequency if recessive) in Genome Aggregation Database, Exome Sequencing Project, 1000 Genomes Project, or Exome Aggregation Consortium.

NM_017649.5(CNNM2):c.1620A>C (p.Lys540Asn)

Gene: CNNM2 (cyclin and CBS domain divalent metal cation transport mediator 2; plus strand). Cytogenetic location: 10q24.32.
Variant type: single nucleotide variant.
Coding change: c.1620A>C on transcript NM_017649.5 (MANE Select); coding-DNA position 1620, A replaced by C.
Protein change: p.Lys540Asn; replaces lysine 540 with asparagine.
Molecular consequence: missense variant.
Genome position (GRCh38, 1-based): chr10:102,920,100, A>C. VCF-style: chr10-102920100-A-C. GRCh37 (hg19) VCF-style: chr10-104679857-A-C.
Other names: c.1620A>C, p.Lys540Asn (NM_199076.3, NM_199077.3); short protein forms K540N.
Identifiers: ClinVar variation 3382903 (VCV003382903.2).
Genomic context (GRCh38, chr10:102,920,100, plus strand): 5'-CCCCTTGCACTTTGTTTTCAATGACACCAAGTTGGACGCTATGCTGGAAGAATTTAAGAA[A>C]GGTGGGAAATTTTGGTCTCTTTCATTGGCTTGCTCTTTCTCTCTCCATCCTCCTCCCTAC-3'
Protein context (NP_060119.3, residues 530-550): KLDAMLEEFK[Lys540Asn]GKSHLAIVQR